The following is an entry in ClinVar:

ClinVar aggregate classification (germline): Uncertain significance (1 of 4 stars; one submission).

Submission:

Ambry Genetics
Classification: Uncertain significance. Last evaluated: 2026-04-04. Review status: criteria provided, single submitter. Criteria: Ambry Variant Classification Scheme 2023. Collection method: clinical testing. Allele origin: germline.
Comment: The p.E689Q variant (also known as c.2065G>C), located in coding exon 20 of the KIF1B gene, results from a G to C substitution at nucleotide position 2065. The glutamic acid at codon 689 is replaced by glutamine, an amino acid with highly similar properties. This amino acid position is conserved. In addition, the in silico prediction for this alteration is inconclusive. Based on the available evidence, the clinical significance of this variant remains unclear.

NM_001365951.3(KIF1B):c.2203G>C (p.Glu735Gln)

Gene: KIF1B (kinesin family member 1B; plus strand). Cytogenetic location: 1p36.22.
Variant type: single nucleotide variant.
Coding change: c.2203G>C on transcript NM_001365951.3 (MANE Select); coding-DNA position 2203, G replaced by C.
Protein change: p.Glu735Gln; replaces glutamic acid 735 with glutamine.
Molecular consequence: missense variant.
Genome position (GRCh38, 1-based): chr1:10,320,130, G>C. VCF-style: chr1-10320130-G-C. GRCh37 (hg19) VCF-style: chr1-10380188-G-C.
Other names: c.2203G>C, p.Glu735Gln (NM_001365952.1); c.2065G>C, p.Glu689Gln (NM_015074.3); short protein forms E689Q, E735Q.
Identifiers: ClinVar variation 4858830 (VCV004858830.1).
Genomic context (GRCh38, chr1:10,320,130, plus strand): 5'-CAGAAGCAGGTTGAAACCCGATCTCTGGCTGCAGAAACAACTGAAGAGGAGGAAGAAGAG[G>C]AAGAAGGTGAAATCTAGAGACCGAAAGTTTCCTGTGTATATCTTTTTGAAGTTATATTAT-3'
Protein context (NP_001352880.1, residues 725-745): AETTEEEEEE[Glu735Gln]EVPWTQHEFE